The following is an entry in ClinVar:

ClinVar aggregate classification (germline): Likely benign. Review status: criteria provided, multiple submitters, no conflicts (2 of 4 stars). 4 submissions from 4 submitters: Likely benign (3). 1 of the submissions does not count toward it. Last evaluated 2025-05-01.

Conditions:
Leukodystrophy, hypomyelinating, 6. Also called: Hypomyelination with Atrophy of Basal Ganglia and Cerebellum (H-ABC); LEUKODYSTROPHY, HYPOMYELINATING, WITH ATROPHY OF THE BASAL GANGLIA AND CEREBELLUM; TUBB4A-Associated Leukodystrophy. Identifiers: Orphanet 139441, MedGen C2676244, MONDO:0012905, OMIM 612438.
TUBB4A-related disorder. Also called: TUBB4A-related condition.

Submissions (4):

CeGaT Center for Human Genetics Tuebingen
Classification: Likely benign. Last evaluated: 2025-05-01. Review status: criteria provided, single submitter. Criteria: CeGaT Center For Human Genetics Tuebingen Variant Classification Criteria Version 2. Collection method: clinical testing. Allele origin: germline. Affected: yes. Observed: 3 variant alleles.
Comment: TUBB4A: BP4, BP7

Blueprint Genetics
Classification: Likely benign. Last evaluated: 2024-08-08. Review status: criteria provided, single submitter. Criteria: ACMG Guidelines, 2015. Collection method: clinical testing. Allele origin: germline.

Labcorp Genetics (formerly Invitae), Labcorp
Classification: Likely benign for Leukodystrophy, hypomyelinating, 6. Last evaluated: 2024-04-17. Review status: criteria provided, single submitter. Criteria: Invitae Variant Classification Sherloc (09022015). Collection method: clinical testing. Allele origin: germline.

PreventionGenetics, part of Exact Sciences
Classification: Likely benign for TUBB4A-related condition. Last evaluated: 2022-09-27. Review status: no assertion criteria provided. Collection method: clinical testing. Allele origin: germline. Not counted in ClinVar's aggregate classification.
Comment: This variant is classified as likely benign based on ACMG/AMP sequence variant interpretation guidelines (Richards et al. 2015 PMID: 25741868, with internal and published modifications).

NM_006087.4(TUBB4A):c.1200C>G (p.Gly400=)

Gene: TUBB4A (tubulin beta 4A class IVa; minus strand). Cytogenetic location: 19p13.3.
Variant type: single nucleotide variant.
Coding change: c.1200C>G on transcript NM_006087.4 (MANE Select); coding-DNA position 1200, C replaced by G.
Protein change: p.Gly400=; no amino-acid change (glycine 400 retained).
Molecular consequence: synonymous variant.
Genome position (GRCh38, 1-based): chr19:6,495,299, G>C on the plus strand (C>G on the coding strand, the complement: TUBB4A is on the minus strand). VCF-style: chr19-6495299-G-C. GRCh37 (hg19) VCF-style: chr19-6495310-G-C.
Other names: c.1200C>G (NM_006087.3); c.1353C>G, p.Gly451= (NM_001289123.2); c.1335C>G, p.Gly445= (NM_001289127.2); c.1200C>G, p.Gly400= (NM_001289129.2); c.984C>G, p.Gly328= (NM_001289130.2, NM_001289131.2).
Identifiers: ClinVar variation 1531104 (VCV001531104.37), dbSNP rs149366909, ClinGen allele CA505189450.